The following is an entry in ClinVar:

NM_152419.3(HGSNAT):c.55_66dup (p.Ser19_Leu22dup)

Genes: HGSNAT (heparan-alpha-glucosaminide N-acetyltransferase; plus strand), LOC130000316 (ATAC-STARR-seq lymphoblastoid silent region 19164; plus strand). Cytogenetic location: 8p11.21.
Variant type: Duplication.
Coding change: c.55_66dup on transcript NM_152419.3 (MANE Select); coding-DNA positions 55 to 66, 12 bases duplicated (AGCGCCGCGCTG).
Protein change: p.Ser19_Leu22dup.
Molecular consequence: inframe insertion. On other transcripts: 5 prime UTR variant (1).
Genome position (GRCh38, 1-based): chr8:43,140,551-43,140,562, AGCGCCGCGCTG duplicated; duplicating any 12 consecutive bases within chr8:43,140,547-43,140,562 gives the same sequence; the c. name uses the placement nearest the transcript's 3' end. VCF-style (leftmost placement, unchanged base first): chr8-43140546-T-TGCTGAGCGCCGC. GRCh37 (hg19) VCF-style: chr8-42995689-T-TGCTGAGCGCCGC.
Other names: c.55_66dup, p.Ser19_Leu22dup (NM_001363227.2, NM_001363228.2); c.-779_-768dup (NM_001363229.2).
Identifiers: ClinVar variation 552702 (VCV000552702.3), dbSNP rs1303048852, ClinGen allele CA658822598.

ClinVar aggregate classification (germline): Uncertain significance. Review status: criteria provided, single submitter (1 of 4 stars). 2 submissions from 2 submitters: Uncertain significance (1). 1 of the submissions does not count toward it. Last evaluated 2025-08-03.

Conditions:
Mucopolysaccharidosis, MPS-III-C (MPS3C). Also called: SANFILIPPO SYNDROME C; MPS III C; MUCOPOLYSACCHARIDOSIS, TYPE IIIC; Mucopolysaccharidosis type IIIC (Sanfilippo C); MPS IIIC (Sanfilippo Syndrome Type C); mucopolysaccharidosis type 3C. Identifiers: Orphanet 581, Orphanet 79271, MedGen C0086649, MONDO:0009657, OMIM 252930.
Retinitis pigmentosa 73 (RP73). Identifiers: Orphanet 791, MedGen C4225287, MONDO:0014687, OMIM 616544.

Submissions (2):

Labcorp Genetics (formerly Invitae), Labcorp
Classification: Uncertain significance for Retinitis pigmentosa 73; Mucopolysaccharidosis, MPS-III-C. Last evaluated: 2025-08-03. Review status: criteria provided, single submitter. Criteria: Invitae Variant Classification Sherloc (09022015). Collection method: clinical testing. Allele origin: germline.
Comment: This variant, c.55_66dup, results in the insertion of 4 amino acid(s) of the HGSNAT protein (p.Ser19_Leu22dup), but otherwise preserves the integrity of the reading frame. This variant is not present in population databases (gnomAD no frequency). This variant has not been reported in the literature in individuals affected with HGSNAT-related conditions. ClinVar contains an entry for this variant (Variation ID: 552702). Experimental studies and prediction algorithms are not available or were not evaluated, and the functional significance of this variant is currently unknown. In summary, the available evidence is currently insufficient to determine the role of this variant in disease. Therefore, it has been classified as a Variant of Uncertain Significance.

Counsyl
Classification: Uncertain significance for Mucopolysaccharidosis, MPS-III-C. Last evaluated: 2017-06-30. Review status: no assertion criteria provided. Collection method: clinical testing. Allele origin: unknown. Not counted in ClinVar's aggregate classification.